The following is an entry in ClinVar:

ClinVar aggregate classification (germline): Uncertain significance. Review status: criteria provided, multiple submitters, no conflicts (2 of 4 stars). 2 submissions from 2 submitters: Uncertain significance (2). Last evaluated 2024-10-13.

Conditions:
SPAST-related disorder. Also called: SPAST-related condition.
Hereditary spastic paraplegia 4. Also called: Familial spastic paraplegia autosomal dominant 2; Spastic paraplegia 4, autosomal dominant; Spastic Paraplegia 4. Identifiers: Orphanet 100985, MedGen C1866855, MONDO:0008438, OMIM 182601.

Submissions (2):

PreventionGenetics, part of Exact Sciences
Classification: Uncertain significance for SPAST-related condition. Last evaluated: 2024-10-13. Review status: criteria provided, single submitter. Criteria: ACMG Guidelines, 2015. Collection method: clinical testing. Allele origin: germline.
Comment: The SPAST c.1334G>A variant is predicted to result in the amino acid substitution p.Ser445Asn. This variant was reported in an individual with spastic paraplegia (de Bot et al. 2010. PubMed ID: 20562464). This variant has not been reported in a large population database (gnomAD), indicating this variant is rare. At this time, the clinical significance of this variant is uncertain due to the absence of conclusive functional and genetic evidence.

Labcorp Genetics (formerly Invitae), Labcorp
Classification: Uncertain significance for Hereditary spastic paraplegia 4. Last evaluated: 2024-07-06. Review status: criteria provided, single submitter. Criteria: Invitae Variant Classification Sherloc (09022015). Collection method: clinical testing. Allele origin: germline.
Comment: This sequence change replaces serine, which is neutral and polar, with asparagine, which is neutral and polar, at codon 445 of the SPAST protein (p.Ser445Asn). This variant is not present in population databases (gnomAD no frequency). This missense change has been observed in individual(s) with hereditary spastic paraplegia (PMID: 20562464, 23400676). ClinVar contains an entry for this variant (Variation ID: 569596). Advanced modeling of protein sequence and biophysical properties (such as structural, functional, and spatial information, amino acid conservation, physicochemical variation, residue mobility, and thermodynamic stability) performed at Invitae indicates that this missense variant is expected to disrupt SPAST protein function with a positive predictive value of 80%. This variant disrupts the p.Ser445 amino acid residue in SPAST. Other variant(s) that disrupt this residue have been determined to be pathogenic (PMID: 26086985). This suggests that this residue is clinically significant, and that variants that disrupt this residue are likely to be disease-causing. In summary, the available evidence is currently insufficient to determine the role of this variant in disease. Therefore, it has been classified as a Variant of Uncertain Significance.

Literature cited by the submitters: PubMed 20562464 (cited by Labcorp Genetics (formerly Invitae), Labcorp); PubMed 23400676 (cited by Labcorp Genetics (formerly Invitae), Labcorp); PubMed 26086985 (cited by Labcorp Genetics (formerly Invitae), Labcorp).

NM_014946.4(SPAST):c.1334G>A (p.Ser445Asn)

Gene: SPAST (spastin; plus strand). Cytogenetic location: 2p22.3.
Variant type: single nucleotide variant.
Coding change: c.1334G>A on transcript NM_014946.4 (MANE Select); coding-DNA position 1334, G replaced by A.
Protein change: p.Ser445Asn; replaces serine 445 with asparagine.
Molecular consequence: missense variant.
Genome position (GRCh38, 1-based): chr2:32,136,889, G>A. VCF-style: chr2-32136889-G-A. GRCh37 (hg19) VCF-style: chr2-32361958-G-A.
Other names: c.1331G>A, p.Ser444Asn (NM_001363823.2); c.1235G>A, p.Ser412Asn (NM_001363875.2); c.1238G>A, p.Ser413Asn (NM_001377959.1, NM_199436.2); short protein forms S445N, S412N, S413N, S444N.
Identifiers: ClinVar variation 569596 (VCV000569596.9), dbSNP rs1131691838, ClinGen allele CA346502185.